The following is an entry in ClinVar:

NM_003002.4(SDHD):c.228C>T (p.Leu76=)

Gene: SDHD (succinate dehydrogenase complex subunit D; plus strand). Cytogenetic location: 11q23.1.
Variant type: single nucleotide variant.
Coding change: c.228C>T on transcript NM_003002.4 (MANE Select); coding-DNA position 228, C replaced by T.
Protein change: p.Leu76=; no amino-acid change (leucine 76 retained).
Molecular consequence: synonymous variant. On other transcripts: non-coding transcript variant (1), intron variant (1).
Genome position (GRCh38, 1-based): chr11:112,088,925, C>T. VCF-style: chr11-112088925-C-T. GRCh37 (hg19) VCF-style: chr11-111959649-C-T.
Other names: c.111C>T, p.Leu37= (NM_001276504.2); c.228C>T, p.Leu76= (NM_001276506.2); c.169+952C>T (NM_001276503.2).
Identifiers: ClinVar variation 465228 (VCV000465228.24), dbSNP rs148634289, ClinGen allele CA070883.
Genomic context (GRCh38, chr11:112,088,925, plus strand): 5'-AGCTGGCTCCAAGGCTGCATCTCTCCACTGGACTAGCGAGAGGGTTGTCAGTGTTTTGCT[C>T]CTGGGTCTGCTTCCGGCTGCTTATTTGAATCCTTGCTCTGCGATGGACTATTCCCTGGCT-3'
Protein context (NP_002993.1, residues 66-86): WTSERVVSVL[Leu76=]LGLLPAAYLN

ClinVar aggregate classification (germline): Conflicting classifications of pathogenicity. Review status: criteria provided, conflicting classifications (1 of 4 stars). 6 submissions from 6 submitters: Uncertain significance (1); Benign (1); Likely benign (4). Last evaluated 2025-12-19.

Conditions:
Hereditary cancer-predisposing syndrome. Also called: Neoplastic Syndromes, Hereditary; Hereditary neoplastic syndrome; Tumor predisposition; Hereditary Cancer Syndrome. Identifiers: Orphanet 140162, MedGen C0027672, MeSH D009386, MONDO:0015356.
Paragangliomas with sensorineural hearing loss. Identifiers: MedGen C1868633.
Pheochromocytoma. Also called: MAX-Related Hereditary Paraganglioma-Pheochromocytoma Syndrome. Identifiers: Orphanet 29072, MedGen C0031511, MONDO:0008233, OMIM 171300, HP:0002666.
Cowden syndrome 3 (CWS3). Identifiers: Orphanet 201, MedGen CN166604, MONDO:0014045.
Carney-Stratakis syndrome. Also called: PARAGANGLIOMA AND GASTROINTESTINAL STROMAL TUMOR. Identifiers: Orphanet 97286, MedGen C1847319, MONDO:0011740, OMIM 606864.
Hereditary pheochromocytoma and paraganglioma. Also called: Hereditary Paraganglioma-Pheochromocytoma Syndromes; Hereditary paragangliomas and pheochromocytomas; Hereditary pheochromocytoma-paraganglioma. Identifiers: Orphanet 29072, MedGen C4274332, MONDO:0017366.
Pheochromocytoma/paraganglioma syndrome 1. Also called: Paragangliomas 1; Glomus tumors familial 1; Paraganglioma - glomus jugulare; SDHD-Related Hereditary Paraganglioma-Pheochromocytoma Syndrome; PARAGANGLIOMAS, FAMILIAL NONCHROMAFFIN, 1; PGL 1. Identifiers: Orphanet 29072, MedGen C3494181, MONDO:0008192, OMIM 168000.

Allele frequency attached by ClinVar (database versions not stated): gnomAD exomes below 0.00001 and 0.00002; TOPMed 0.00001; gnomAD 0.00002; ExAC 0.00003; ESP Exome Variant Server 0.00015.

Submissions (6):

Labcorp Genetics (formerly Invitae), Labcorp
Classification: Likely benign for Carney-Stratakis syndrome; Paragangliomas with sensorineural hearing loss; Pheochromocytoma; Cowden syndrome 3. Last evaluated: 2025-12-19. Review status: criteria provided, single submitter. Criteria: Invitae Variant Classification Sherloc (09022015). Collection method: clinical testing. Allele origin: germline.

Myriad Genetics, Inc.
Classification: Benign for Pheochromocytoma/paraganglioma syndrome 1. Last evaluated: 2025-03-17. Review status: criteria provided, single submitter. Criteria: Myriad Autosomal Dominant, Autosomal Recessive and X-Linked Classification Criteria (2023). Collection method: clinical testing. Allele origin: unknown.
Comment: This variant is considered benign. This variant is a silent/synonymous amino acid change and it is not expected to impact splicing.

All of Us Research Program, National Institutes of Health
Classification: Likely benign for Hereditary pheochromocytoma and paraganglioma. Last evaluated: 2023-03-07. Review status: criteria provided, single submitter. Criteria: ACMG Guidelines, 2015. Collection method: clinical testing. Allele origin: germline. Inheritance: Autosomal dominant inheritance. Observed: 1 variant allele, 1 heterozygote.
Comment: This study involves interpretation of variants in research participants for the purpose of population health screening. Participant phenotype was not available at the time of variant classification. Additional details can be found in publication PMID: 35346344, PMCID: PMC8962531

Color Diagnostics, LLC DBA Color Health
Classification: Likely benign for Hereditary pheochromocytoma and paraganglioma. Last evaluated: 2022-05-02. Review status: criteria provided, single submitter. Criteria: ACMG Guidelines, 2015. Collection method: clinical testing. Allele origin: germline.

Illumina Laboratory Services, Illumina
Classification: Uncertain significance for Hereditary Paraganglioma-Pheochromocytoma Syndromes. Last evaluated: 2018-01-13. Review status: criteria provided, single submitter. Criteria: ICSL Variant Classification Criteria 13 December 2019. Collection method: clinical testing. Allele origin: germline.

Ambry Genetics
Classification: Likely benign for Hereditary cancer-predisposing syndrome. Last evaluated: 2016-10-05. Review status: criteria provided, single submitter. Criteria: Ambry Variant Classification Scheme 2023. Collection method: clinical testing. Allele origin: germline.